The following is an entry in ClinVar:

ClinVar aggregate classification (germline): Conflicting classifications of pathogenicity. Review status: criteria provided, conflicting classifications (1 of 4 stars). 4 submissions from 4 submitters: Likely pathogenic (2); Uncertain significance (2). Last evaluated 2024-03-06.

Conditions:
Hereditary cancer-predisposing syndrome. Also called: Neoplastic Syndromes, Hereditary; Hereditary Cancer Syndrome; Tumor predisposition; Hereditary neoplastic syndrome. Identifiers: Orphanet 140162, MedGen C0027672, MeSH D009386, MONDO:0015356.
Familial cancer of breast. Also called: Hereditary breast cancer; BREAST CANCER, FAMILIAL; hereditary breast carcinoma. Identifiers: Orphanet 227535, MedGen C0346153, MONDO:0016419, OMIM 114480. Disease mechanism: loss of function.
Ataxia-telangiectasia syndrome (AT). Also called: LOUIS-BAR SYNDROME; Cerebello-oculocutaneous telangiectasia; Immunodeficiency with ataxia telangiectasia; Ataxia-telangiectasia, complementation group D; AT, COMPLEMENTATION GROUP C; Ataxia-telangiectasia, complementation group E. Identifiers: Orphanet 100, MedGen C0004135, MONDO:0008840, OMIM 208900.

Submissions (4):

Labcorp Genetics (formerly Invitae), Labcorp
Classification: Likely pathogenic for Ataxia-telangiectasia syndrome. Last evaluated: 2024-03-06. Review status: criteria provided, single submitter. Criteria: Invitae Variant Classification Sherloc (09022015). Collection method: clinical testing. Allele origin: germline.
Comment: This sequence change replaces glycine, which is neutral and non-polar, with glutamic acid, which is acidic and polar, at codon 2063 of the ATM protein (p.Gly2063Glu). This variant is not present in population databases (gnomAD no frequency). This missense change has been observed in individuals with ataxia-telangiectasia (PMID: 10873394, 14654357, 18634022, 31050087). ClinVar contains an entry for this variant (Variation ID: 420012). An algorithm developed to predict the effect of missense changes on protein structure and function (PolyPhen-2) suggests that this variant is likely to be disruptive. In summary, the currently available evidence indicates that the variant is pathogenic, but additional data are needed to prove that conclusively. Therefore, this variant has been classified as Likely Pathogenic.

Ambry Genetics
Classification: Uncertain significance for Hereditary cancer-predisposing syndrome. Last evaluated: 2023-11-22. Review status: criteria provided, single submitter. Criteria: Ambry Variant Classification Scheme 2023. Collection method: clinical testing. Allele origin: germline.
Comment: The p.G2063E variant (also known as c.6188G>A), located in coding exon 41 of the ATM gene, results from a G to A substitution at nucleotide position 6188. The glycine at codon 2063 is replaced by glutamic acid, an amino acid with similar properties. In one functional study, this alteration had normal kinase and radiosensitivity activity (Mitui M et al. Hum Mutat, 2009 Jan;30:12-21). However, this alteration was also identified in the homozygous state in multiple individuals diagnosed with ataxia telangiectasia (Becker-Catania SG et al. Mol Genet Metab, 2000 Jun;70:122-33; Sun X et al. J Pediatr, 2002 Jun;140:724-31; Chun HH et al. Mol Genet Metab, 2003 Dec;80:437-43). This amino acid position is highly conserved in available vertebrate species. In addition, the in silico prediction for this alteration is inconclusive. Since supporting evidence is conflicting at this time, the clinical significance of this alteration remains unclear.

Baylor Genetics
Classification: Likely pathogenic for Familial cancer of breast. Last evaluated: 2023-05-31. Review status: criteria provided, single submitter. Criteria: ACMG Guidelines, 2015. Collection method: clinical testing. Allele origin: unknown.

GeneDx
Classification: Uncertain significance. Last evaluated: 2017-03-09. Review status: criteria provided, single submitter. Criteria: GeneDx Variant Classification (06012015). Collection method: clinical testing. Allele origin: germline. Affected: yes.
Comment: The G2063E variant in the ATM gene has been reported in the homozygous state in at least two Turkish individuals with ataxia-telangiectasia (A-T); however, their presentation was noted to be distinct from other A-T patients in that it was slowly progressive with normal immune status (Becker-Catania et al., 2000; Buzin et al., 2003; Chun et al., 2003; Sanal et al., 2004). Cell lines from the homozygous A-T patients were reported to be radiosensitive with reduced ATM protein levels and 35% kinase activity (Becker-Catania et al., 2000; Chun et al., 2003; Butch et al., 2004). However, an in vitro functional study classified this variant as â€˜operationally neutralâ€™ with normal protein expression and normal ATM kinase activity (Mitui et al., 2009). The G2063E variant was not observed in large population cohorts (NHLBI Exome Sequencing Project, The 1000 Genomes Consortium 2015, Lek 2016). Since Glycine and Glutamic Acid differ in polarity, charge, size or other properties, this is considered a non-conservative amino acid substitution. The G2063E variant occurs at a position that is conserved across species and is located in the FAT domain (Stracker et al., 2013). Based on currently available evidence, we consider G2063E to be a variant of uncertain significance.

Literature cited by the submitters: PubMed 10873394 (cited by Labcorp Genetics (formerly Invitae), Labcorp and Ambry Genetics); PubMed 14654357 (cited by Labcorp Genetics (formerly Invitae), Labcorp and Ambry Genetics); PubMed 18634022 (cited by Labcorp Genetics (formerly Invitae), Labcorp and Ambry Genetics); PubMed 31050087 (cited by Labcorp Genetics (formerly Invitae), Labcorp); PubMed 12072877 (cited by Ambry Genetics); PubMed 29906526 (cited by Ambry Genetics); PubMed 31741144 (cited by Ambry Genetics).

NM_000051.4(ATM):c.6188G>A (p.Gly2063Glu)

Genes: ATM (ATM serine/threonine kinase; plus strand), C11orf65 (chromosome 11 open reading frame 65; minus strand). Cytogenetic location: 11q22.3.
Variant type: single nucleotide variant.
Coding change: c.6188G>A on transcript NM_000051.4 (MANE Select); coding-DNA position 6188, G replaced by A.
Protein change: p.Gly2063Glu; replaces glycine 2063 with glutamic acid.
Molecular consequence: missense variant. On other transcripts: intron variant (2).
Genome position (GRCh38, 1-based): chr11:108,316,103, G>A. VCF-style: chr11-108316103-G-A. GRCh37 (hg19) VCF-style: chr11-108186830-G-A.
Other names: c.6188G>A, p.Gly2063Glu (NM_001351834.2); c.641-7032C>T (NM_001330368.2); c.*39-7032C>T (NM_001351110.2); short protein forms G2063E.
Identifiers: ClinVar variation 420012 (VCV000420012.13), dbSNP rs866290641, ClinGen allele CA16619209.